The following is an entry in ClinVar:

ClinVar aggregate classification (germline): Likely benign. Review status: criteria provided, multiple submitters, no conflicts (2 of 4 stars). 4 submissions from 4 submitters: Likely benign (4). Last evaluated 2026-02-01.

Conditions:
RYR1-related disorder. Also called: RYR1-related disorders; RYR1-related condition. Identifiers: MedGen CN239331.

Allele frequency attached by ClinVar (database versions not stated): ExAC below 0.00001; gnomAD 0.00001 and 0.00004; TOPMed 0.00002; gnomAD exomes 0.00006 and 0.00010; 1000 Genomes Project 0.00020; 1000 Genomes Project 30x 0.00031.
gnomAD v4.1: 78 of 1,396,488 alleles (0.0056%); highest among the groups gnomAD compares: South Asian, 0.1%; 2 homozygotes.

Submissions (4):

CeGaT Center for Human Genetics Tuebingen
Classification: Likely benign. Last evaluated: 2026-02-01. Review status: criteria provided, single submitter. Criteria: CeGaT Center For Human Genetics Tuebingen Variant Classification Criteria Version 2. Collection method: clinical testing. Allele origin: germline. Affected: yes. Observed: 1 variant allele.
Comment: RYR1: BP4, BP7

Labcorp Genetics (formerly Invitae), Labcorp
Classification: Likely benign for RYR1-related disorder. Last evaluated: 2026-02-01. Review status: criteria provided, single submitter. Criteria: Invitae Variant Classification Sherloc (09022015). Collection method: clinical testing. Allele origin: germline.

Blueprint Genetics
Classification: Likely benign. Last evaluated: 2022-05-19. Review status: criteria provided, single submitter. Criteria: ACMG Guidelines, 2015. Collection method: clinical testing. Allele origin: germline.

PreventionGenetics, part of Exact Sciences
Classification: Likely benign. Review status: criteria provided, single submitter. Criteria: ACMG Guidelines, 2015. Collection method: clinical testing. Allele origin: germline.

NM_000540.3(RYR1):c.13341G>A (p.Arg4447=)

Genes: RYR1 (ryanodine receptor 1; plus strand), LOC130064357 (ATAC-STARR-seq lymphoblastoid silent region 10577; plus strand). Cytogenetic location: 19q13.2.
Variant type: single nucleotide variant.
Coding change: c.13341G>A on transcript NM_000540.3 (MANE Select); coding-DNA position 13341, G replaced by A.
Protein change: p.Arg4447=; no amino-acid change (arginine 4447 retained).
Molecular consequence: synonymous variant.
Genome position (GRCh38, 1-based): chr19:38,565,675, G>A. VCF-style: chr19-38565675-G-A. GRCh37 (hg19) VCF-style: chr19-39056315-G-A.
Other names: c.13326G>A, p.Arg4442= (NM_001042723.2).
Identifiers: ClinVar variation 256426 (VCV000256426.18), dbSNP rs375750351, ClinGen allele CA059740.